The following is an entry in ClinVar:

ClinVar aggregate classification (germline): Uncertain significance (1 of 4 stars; one submission).

Conditions:
Neurodevelopmental disorder. Identifiers: MedGen C1535926, MeSH D065886, MONDO:0700092.

gnomAD v4.1: 2 of 1,614,142 alleles (0.00012%); highest among the groups gnomAD compares: Non-Finnish European, 0.000085%; no homozygotes.

Submission:

Broad Center for Mendelian Genomics, Broad Institute of MIT and Harvard
Classification: Uncertain significance for Neurodevelopmental disorder. Last evaluated: 2026-03-02. Review status: criteria provided, single submitter. Criteria: ACMG Guidelines, 2015. Collection method: research. Allele origin: germline. Inheritance: Autosomal dominant inheritance.
Comment: The p.Gly274Ala variant in HNRNPD has not been previously reported in the literature in individuals with neurodevelopmental disorders, and was absent from large population studies. Computational prediction tools and conservation analyses do not provide strong support for or against an impact to the protein. While variants in the HNRNPD gene have been reported in individuals with neurodevelopmental disorders, this association has not been definitively established. In summary, given the limited information about this gene-disease relationship, the significance of the p.Gly274Ala variant is uncertain.

NM_031370.3(HNRNPD):c.821G>C (p.Gly274Ala)

Gene: HNRNPD (heterogeneous nuclear ribonucleoprotein D; minus strand). Cytogenetic location: 4q21.22.
Variant type: single nucleotide variant.
Coding change: c.821G>C on transcript NM_031370.3 (MANE Select); coding-DNA position 821, G replaced by C.
Protein change: p.Gly274Ala; replaces glycine 274 with alanine.
Molecular consequence: missense variant.
Genome position (GRCh38, 1-based): chr4:82,356,828, C>G on the plus strand (G>C on the coding strand, the complement: HNRNPD is on the minus strand). VCF-style: chr4-82356828-C-G. GRCh37 (hg19) VCF-style: chr4-83277981-C-G.
Other names: NM_031369.3:c.764G>C; c.764G>C, p.Gly255Ala (NM_001003810.2, NM_031369.3); c.821G>C, p.Gly274Ala (NM_002138.4); short protein forms G255A, G274A.
Identifiers: ClinVar variation 4819476 (VCV004819476.1).
Genomic context (GRCh38, chr4:82,356,828, plus strand): 5'-GATAGAGTAAACTTAGGCTCTAGCTTACCACCACCTCTTCCACGAGCTCTTCCTGCAAAT[C>G]CTCCTCTAGATCCCCACTGTTGCTGTTGCTGATATTGTTCCTTCGACATGGCTACTTTTA-3'
Protein context (NP_112738.1, residues 264-284): QQQQQWGSRG[Gly274Ala]FAGRARGRGG